The following is an entry in ClinVar:

NM_004525.3(LRP2):c.10536C>T (p.Cys3512=)

Gene: LRP2 (LDL receptor related protein 2; minus strand). Cytogenetic location: 2q31.1.
Variant type: single nucleotide variant.
Coding change: c.10536C>T on transcript NM_004525.3 (MANE Select); coding-DNA position 10536, C replaced by T.
Protein change: p.Cys3512=; no amino-acid change (cysteine 3512 retained).
Molecular consequence: synonymous variant.
Genome position (GRCh38, 1-based): chr2:169,176,446, G>A on the plus strand (C>T on the coding strand, the complement: LRP2 is on the minus strand). VCF-style: chr2-169176446-G-A. GRCh37 (hg19) VCF-style: chr2-170032956-G-A.
Other names: c.10536C>T (NM_004525.2).
Identifiers: ClinVar variation 1672893 (VCV001672893.11), dbSNP rs531013104, ClinGen allele CA1953335.

ClinVar aggregate classification (germline): Benign/Likely benign. Review status: criteria provided, multiple submitters, no conflicts (2 of 4 stars). 3 submissions from 3 submitters: Benign (1); Likely benign (1). 1 of the submissions does not count toward it. Last evaluated 2026-02-02.

Conditions:
LRP2-related disorder. Also called: LRP2-related condition.

Allele frequency attached by ClinVar (database versions not stated): TOPMed 0.00003; gnomAD 0.00011; gnomAD exomes 0.00018 and 0.00039; ExAC 0.00046; 1000 Genomes Project 30x 0.00172; 1000 Genomes Project 0.00180.
gnomAD v4.1: 282 of 1,614,198 alleles (0.017%); highest among the groups gnomAD compares: South Asian, 0.3%; 4 homozygotes.

Submissions (3):

Labcorp Genetics (formerly Invitae), Labcorp
Classification: Benign. Last evaluated: 2026-02-02. Review status: criteria provided, single submitter. Criteria: Invitae Variant Classification Sherloc (09022015). Collection method: clinical testing. Allele origin: germline.

Blueprint Genetics
Classification: Likely benign. Last evaluated: 2024-11-04. Review status: criteria provided, single submitter. Criteria: ACMG Guidelines, 2015. Collection method: clinical testing. Allele origin: germline.

PreventionGenetics, part of Exact Sciences
Classification: Likely benign for LRP2-related condition. Last evaluated: 2019-05-23. Review status: no assertion criteria provided. Collection method: clinical testing. Allele origin: germline. Not counted in ClinVar's aggregate classification.
Comment: This variant is classified as likely benign based on ACMG/AMP sequence variant interpretation guidelines (Richards et al. 2015 PMID: 25741868, with internal and published modifications).